The following is an entry in ClinVar:

ClinVar aggregate classification (germline): Uncertain significance. Review status: criteria provided, single submitter (1 of 4 stars). 2 submissions from 2 submitters: Uncertain significance (1). 1 of the submissions does not count toward it. Last evaluated 2021-12-02.

Conditions:
SON-related disorder. Also called: SON-related condition.

Allele frequency attached by ClinVar (database versions not stated): gnomAD 0.00001; TOPMed 0.00001; gnomAD exomes 0.00005; ExAC 0.00008.
gnomAD v4.1: 31 of 1,614,006 alleles (0.0019%); highest among the groups gnomAD compares: East Asian, 0.0022%; no homozygotes.

Submissions (2):

Labcorp Genetics (formerly Invitae), Labcorp
Classification: Uncertain significance. Last evaluated: 2021-12-02. Review status: criteria provided, single submitter. Criteria: Invitae Variant Classification Sherloc (09022015). Collection method: clinical testing. Allele origin: germline.
Comment: This sequence change replaces methionine, which is neutral and non-polar, with valine, which is neutral and non-polar, at codon 905 of the SON protein (p.Met905Val). This variant is present in population databases (rs763563040, gnomAD 0.009%). This variant has not been reported in the literature in individuals affected with SON-related conditions. Algorithms developed to predict the effect of missense changes on protein structure and function are either unavailable or do not agree on the potential impact of this missense change (SIFT: "Deleterious"; PolyPhen-2: "Probably Damaging"; Align-GVGD: "Class C0"). In summary, the available evidence is currently insufficient to determine the role of this variant in disease. Therefore, it has been classified as a Variant of Uncertain Significance.

PreventionGenetics, part of Exact Sciences
Classification: Likely benign for SON-related condition. Last evaluated: 2020-10-27. Review status: no assertion criteria provided. Collection method: clinical testing. Allele origin: germline. Not counted in ClinVar's aggregate classification.
Comment: This variant is classified as likely benign based on ACMG/AMP sequence variant interpretation guidelines (Richards et al. 2015 PMID: 25741868, with internal and published modifications).

NM_138927.4(SON):c.2713A>G (p.Met905Val)

Gene: SON (SON DNA and RNA binding protein; plus strand). Cytogenetic location: 21q22.11.
Variant type: single nucleotide variant.
Coding change: c.2713A>G on transcript NM_138927.4 (MANE Select); coding-DNA position 2713, A replaced by G.
Protein change: p.Met905Val; replaces methionine 905 with valine.
Molecular consequence: missense variant. On other transcripts: non-coding transcript variant (1), intron variant (1).
Genome position (GRCh38, 1-based): chr21:33,551,944, A>G. VCF-style: chr21-33551944-A-G. GRCh37 (hg19) VCF-style: chr21-34924250-A-G.
Other names: c.2713A>G, p.Met905Val (NM_001291411.2, NM_032195.3); c.245-5212A>G (NM_001291412.3); c.2713A>G (NM_138927.2); short protein forms M905V.
Identifiers: ClinVar variation 1431182 (VCV001431182.8), dbSNP rs763563040, ClinGen allele CA10009158.